The following is an entry in ClinVar:

ClinVar aggregate classification (germline): Uncertain significance (1 of 4 stars; one submission).

Allele frequency attached by ClinVar (database versions not stated): gnomAD exomes 0.00006 and 0.00012; ExAC 0.00007; gnomAD 0.00013 and 0.00014; TOPMed 0.00015; 1000 Genomes Project 0.00040; 1000 Genomes Project 30x 0.00047.
gnomAD v4.1: 103 of 1,614,050 alleles (0.0064%); highest among the groups gnomAD compares: Admixed American, 0.087%; 1 homozygote.

Submission:

Labcorp Genetics (formerly Invitae), Labcorp
Classification: Uncertain significance. Last evaluated: 2025-06-03. Review status: criteria provided, single submitter. Criteria: Invitae Variant Classification Sherloc (09022015). Collection method: clinical testing. Allele origin: germline.
Comment: This sequence change replaces arginine, which is basic and polar, with glutamine, which is neutral and polar, at codon 190 of the DSCAML1 protein (p.Arg190Gln). This variant is present in population databases (rs200741921, gnomAD 0.07%), and has an allele count higher than expected for a pathogenic variant. This variant has not been reported in the literature in individuals affected with DSCAML1-related conditions. ClinVar contains an entry for this variant (Variation ID: 1424273). An algorithm developed to predict the effect of missense changes on protein structure and function (PolyPhen-2) suggests that this variant is likely to be disruptive. In summary, the available evidence is currently insufficient to determine the role of this variant in disease. Therefore, it has been classified as a Variant of Uncertain Significance.

NM_020693.4(DSCAML1):c.389G>A (p.Arg130Gln)

Gene: DSCAML1 (DS cell adhesion molecule like 1; minus strand). Cytogenetic location: 11q23.3.
Variant type: single nucleotide variant.
Coding change: c.389G>A on transcript NM_020693.4 (MANE Select); coding-DNA position 389, G replaced by A.
Protein change: p.Arg130Gln; replaces arginine 130 with glutamine.
Molecular consequence: missense variant. On other transcripts: 5 prime UTR variant (1).
Genome position (GRCh38, 1-based): chr11:117,776,913, C>T on the plus strand (G>A on the coding strand, the complement: DSCAML1 is on the minus strand). VCF-style: chr11-117776913-C-T. GRCh37 (hg19) VCF-style: chr11-117647628-C-T.
Other names: c.389G>A, p.Arg130Gln (NM_001367904.1); c.-20G>A (NM_001367905.1); short protein forms R130Q.
Identifiers: ClinVar variation 1424273 (VCV001424273.6), dbSNP rs200741921, ClinGen allele CA6297577.
Genomic context (GRCh38, chr11:117,776,913, plus strand): 5'-GAGGGGATGAGGCACTTGAAGACGGCCACGTTGCCACGCATTGACCTTTGATCCTCCACC[C>T]GGACGGTGTAGGGTTCCCTGAAAACTGCAGAGAGATTGGCAGTGGGGAAGAGAAGAGTGT-3'
Protein context (NP_065744.3, residues 120-140): KAVFREPYTV[Arg130Gln]VEDQRSMRGN